The following is an entry in ClinVar:

NM_001830.4(CLCN4):c.1458C>T (p.Gly486=)

Gene: CLCN4 (Cl-/H+ antiporter 4; plus strand). Cytogenetic location: Xp22.2.
Variant type: single nucleotide variant.
Coding change: c.1458C>T on transcript NM_001830.4 (MANE Select); coding-DNA position 1458, C replaced by T.
Protein change: p.Gly486=; no amino-acid change (glycine 486 retained).
Molecular consequence: synonymous variant.
Genome position (GRCh38, 1-based): chrX:10,212,535, C>T. VCF-style: chrX-10212535-C-T. GRCh37 (hg19) VCF-style: chrX-10180575-C-T.
Other names: c.1176C>T, p.Gly392= (NM_001256944.2).
Identifiers: ClinVar variation 695549 (VCV000695549.15), dbSNP rs138602675, ClinGen allele CA10347239.
Genomic context (GRCh38, chrX:10,212,535, plus strand): 5'-GGGCCTCTTCATCCCCAGCATGGCTGTGGGCGCGATAGCGGGCAGGATGGTGGGAATTGG[C>T]GTGGAGCAGCTGGCCTACCATCACCATGACTGGATCATCTTCAGGAACTGGTGCAGACCC-3'
Protein context (NP_001821.2, residues 476-496): GAIAGRMVGI[Gly486=]VEQLAYHHHD

ClinVar aggregate classification (germline): Benign/Likely benign. Review status: criteria provided, multiple submitters, no conflicts (2 of 4 stars). 4 submissions from 4 submitters: Benign (2); Likely benign (1). 1 of the submissions does not count toward it. Last evaluated 2026-01-03.

Conditions:
CLCN4-related disorder. Identifiers: MedGen CN232948.

Allele frequency attached by ClinVar (database versions not stated): TOPMed 0.00093; gnomAD 0.00094 and 0.00089; ESP Exome Variant Server 0.00104; gnomAD exomes 0.00009 and 0.00020; ExAC 0.00023; 1000 Genomes Project 0.00053; 1000 Genomes Project 30x 0.00083.
gnomAD v4.1: 211 of 1,209,663 alleles (0.017%); highest among the groups gnomAD compares: African/African-American, 0.3%; 1 homozygote.

Submissions (6):

Labcorp Genetics (formerly Invitae), Labcorp
Classification: Benign. Last evaluated: 2026-01-03. Review status: criteria provided, single submitter. Criteria: Invitae Variant Classification Sherloc (09022015). Collection method: clinical testing. Allele origin: germline.

Blueprint Genetics
Classification: Likely benign. Last evaluated: 2024-03-19. Review status: criteria provided, single submitter. Criteria: ACMG Guidelines, 2015. Collection method: clinical testing. Allele origin: germline.

GeneDx
Classification: Benign. Last evaluated: 2019-06-20. Review status: criteria provided, single submitter. Criteria: GeneDx Variant Classification Process June 2021. Collection method: clinical testing. Allele origin: germline. Affected: yes.

PreventionGenetics, part of Exact Sciences
Classification: Likely benign for CLCN4-related condition. Last evaluated: 2024-08-10. Review status: no assertion criteria provided. Collection method: clinical testing. Allele origin: germline. Not counted in ClinVar's aggregate classification.
Comment: This variant is classified as likely benign based on ACMG/AMP sequence variant interpretation guidelines (Richards et al. 2015 PMID: 25741868, with internal and published modifications).

Dr. Peter K. Rogan Lab, Western University
No classification provided (evidence only). Condition: Thyroid cancer, nonmedullary, 1. Review status: no classification provided. Collection method: in vitro. Allele origin: not applicable. Functional consequence: retained intron. Not counted in ClinVar's aggregate classification.

Dr. Peter K. Rogan Lab, Western University
No classification provided (evidence only). Condition: Thyroid cancer, nonmedullary, 1. Review status: no classification provided. Collection method: in vitro. Allele origin: not applicable. Functional consequence: retained intron. Not counted in ClinVar's aggregate classification.